The following is an entry in ClinVar:

NM_004132.5(HABP2):c.947G>A (p.Gly316Glu)

Gene: HABP2 (hyaluronan binding protein 2; plus strand). Cytogenetic location: 10q25.3.
Variant type: single nucleotide variant.
Coding change: c.947G>A on transcript NM_004132.5 (MANE Select); coding-DNA position 947, G replaced by A.
Protein change: p.Gly316Glu; replaces glycine 316 with glutamic acid.
Molecular consequence: missense variant.
Genome position (GRCh38, 1-based): chr10:113,581,984, G>A. VCF-style: chr10-113581984-G-A. GRCh37 (hg19) VCF-style: chr10-115341743-G-A.
Other names: c.869G>A, p.Gly290Glu (NM_001177660.3); short protein forms G316E, G290E.
Identifiers: ClinVar variation 298911 (VCV000298911.9), dbSNP rs138864377, ClinGen allele CA5693843.

ClinVar aggregate classification (germline): Benign/Likely benign. Review status: criteria provided, multiple submitters, no conflicts (2 of 4 stars). 3 submissions from 3 submitters: Benign (1); Likely benign (2). Last evaluated 2022-03-14.

Conditions:
Thyroid cancer, nonmedullary, 5 (NMTC5). Identifiers: MedGen C4225292, MONDO:0014682, OMIM 616535.
Thrombophilia due to thrombin defect (THPH1). Also called: Thrombosis susceptibility; THROMBOPHILIA DUE TO FACTOR 2 DEFECT; Prothrombin-Related Thrombophilia (Factor II); Prothrombin Thrombophilia. Identifiers: MedGen C3160733, MONDO:0008559, OMIM 188050. Disease mechanism: gain of function, loss of function.
Factor VII-activating protease marburg I. Identifiers: MedGen CN068943.

Allele frequency attached by ClinVar (database versions not stated): ESP Exome Variant Server 0.00031; gnomAD 0.00076 and 0.00078; TOPMed 0.00148; 1000 Genomes Project 30x 0.00156; 1000 Genomes Project 0.00160; ExAC 0.00251; gnomAD exomes 0.00301.
gnomAD v4.1: 1,088 of 1,614,200 alleles (0.067%); highest among the groups gnomAD compares: Admixed American, 1.4%; 14 homozygotes.

Submissions (3):

Fulgent Genetics
Classification: Likely benign for Thrombophilia due to thrombin defect; Thyroid cancer, nonmedullary, 5. Last evaluated: 2022-03-14. Review status: criteria provided, single submitter. Criteria: ACMG Guidelines, 2015. Collection method: clinical testing. Allele origin: unknown.

Labcorp Genetics (formerly Invitae), Labcorp
Classification: Benign. Last evaluated: 2018-06-22. Review status: criteria provided, single submitter. Criteria: Invitae Variant Classification Sherloc (09022015). Collection method: clinical testing. Allele origin: germline.

Illumina Laboratory Services, Illumina
Classification: Likely benign for Factor VII Marburg I Variant Thrombophilia. Last evaluated: 2018-01-13. Review status: criteria provided, single submitter. Criteria: ICSL Variant Classification Criteria 13 December 2019. Collection method: clinical testing. Allele origin: germline.
Comment: This variant was observed in the ICSL laboratory as part of a predisposition screen in an ostensibly healthy population. It had not been previously curated by ICSL or reported in the Human Gene Mutation Database (HGMD: prior to June 1st, 2018), and was therefore a candidate for classification through an automated scoring system. Utilizing variant allele frequency, disease prevalence and penetrance estimates, and inheritance mode, an automated score was calculated to assess if this variant is too frequent to cause the disease. Based on the score and internal cut-off values, a variant classified as likely benign is not then subjected to further curation. The score for this variant resulted in a classification of likely benign for this disease.